The following is an entry in ClinVar:

ClinVar aggregate classification (germline): Uncertain significance (1 of 4 stars; one submission).

Conditions:
Familial thoracic aortic aneurysm and aortic dissection (TAAD). Also called: Thoracic aortic aneurysms and dissections. Identifiers: Orphanet 91387, MedGen C4707243, MONDO:0019625.

Allele frequency attached by ClinVar (database versions not stated): gnomAD exomes below 0.00001; gnomAD 0.00001; TOPMed 0.00001; ESP Exome Variant Server 0.00010.
gnomAD v4.1: 2 of 1,206,838 alleles (0.00017%); highest among the groups gnomAD compares: Non-Finnish European, 0.00022%; no homozygotes.

Submission:

Ambry Genetics
Classification: Uncertain significance for Familial thoracic aortic aneurysm and aortic dissection. Last evaluated: 2021-12-22. Review status: criteria provided, single submitter. Criteria: Ambry Variant Classification Scheme 2023. Collection method: clinical testing. Allele origin: germline.
Comment: The p.P1743L variant (also known as c.5228C>T), located in coding exon 30 of the FLNA gene, results from a C to T substitution at nucleotide position 5228. The proline at codon 1743 is replaced by leucine, an amino acid with similar properties. This amino acid position is not well conserved in available vertebrate species. In addition, this alteration is predicted to be tolerated by in silico analysis. Since supporting evidence is limited at this time, the clinical significance of this alteration remains unclear.

NM_001110556.2(FLNA):c.5252C>T (p.Pro1751Leu)

Gene: FLNA (filamin A; minus strand). Cytogenetic location: Xq28.
Variant type: single nucleotide variant.
Coding change: c.5252C>T on transcript NM_001110556.2 (MANE Select); coding-DNA position 5252, C replaced by T.
Protein change: p.Pro1751Leu; replaces proline 1751 with leucine.
Molecular consequence: missense variant.
Genome position (GRCh38, 1-based): chrX:154,354,677, G>A on the plus strand (C>T on the coding strand, the complement: FLNA is on the minus strand). VCF-style: chrX-154354677-G-A. GRCh37 (hg19) VCF-style: chrX-153583045-G-A.
Other names: c.5228C>T, p.Pro1743Leu (NM_001456.4); short protein forms P1743L, P1751L.
Identifiers: ClinVar variation 1746183 (VCV001746183.2), dbSNP rs374501630, ClinGen allele CA10560348.